The following is an entry in ClinVar:

NM_205836.3(FBXO38):c.1709T>C (p.Ile570Thr)

Gene: FBXO38 (F-box protein 38; plus strand). Cytogenetic location: 5q32.
Variant type: single nucleotide variant.
Coding change: c.1709T>C on transcript NM_205836.3 (MANE Select); coding-DNA position 1709, T replaced by C.
Protein change: p.Ile570Thr; replaces isoleucine 570 with threonine.
Molecular consequence: missense variant.
Genome position (GRCh38, 1-based): chr5:148,424,088, T>C. VCF-style: chr5-148424088-T-C. GRCh37 (hg19) VCF-style: chr5-147803651-T-C.
Other names: c.1709T>C, p.Ile570Thr (NM_001271723.2, NM_030793.5); short protein forms I570T.
Identifiers: ClinVar variation 1778511 (VCV001778511.4), dbSNP rs1367887797, ClinGen allele CA361654559.
Genomic context (GRCh38, chr5:148,424,088, plus strand): 5'-AAGATGGAGAGGTGGTGGCCGAGAGTGGAAATAATACTCCAGCTCACAGCCAGGCAATTA[T>C]TCCTGTGGATGTTGATGAGGAACAAGCAGGTAATCATGTGATCCATCCCACATTCATCAT-3'
Protein context (NP_995308.1, residues 560-580): NNTPAHSQAI[Ile570Thr]PVDVDEEQAG

ClinVar aggregate classification (germline): Uncertain significance. Review status: criteria provided, multiple submitters, no conflicts (2 of 4 stars). 2 submissions from 2 submitters: Uncertain significance (2). Last evaluated 2024-10-21.

Conditions:
Distal hereditary motor neuropathy type 2. Identifiers: Orphanet 139525, MedGen C3711384, MeSH C580044, MONDO:0015352.

Allele frequency attached by ClinVar (database versions not stated): TOPMed below 0.00001; gnomAD 0.00001; gnomAD exomes 0.00001.
gnomAD v4.1: 8 of 1,613,562 alleles (0.0005%); highest among the groups gnomAD compares: Non-Finnish European, 0.00068%; no homozygotes.

Submissions (2):

Labcorp Genetics (formerly Invitae), Labcorp
Classification: Uncertain significance for Distal hereditary motor neuropathy type 2. Last evaluated: 2024-10-21. Review status: criteria provided, single submitter. Criteria: Invitae Variant Classification Sherloc (09022015). Collection method: clinical testing. Allele origin: germline.
Comment: This sequence change replaces isoleucine, which is neutral and non-polar, with threonine, which is neutral and polar, at codon 570 of the FBXO38 protein (p.Ile570Thr). This variant is not present in population databases (gnomAD no frequency). This variant has not been reported in the literature in individuals affected with FBXO38-related conditions. ClinVar contains an entry for this variant (Variation ID: 1778511). Invitae Evidence Modeling of protein sequence and biophysical properties (such as structural, functional, and spatial information, amino acid conservation, physicochemical variation, residue mobility, and thermodynamic stability) indicates that this missense variant is not expected to disrupt FBXO38 protein function with a negative predictive value of 80%. In summary, the available evidence is currently insufficient to determine the role of this variant in disease. Therefore, it has been classified as a Variant of Uncertain Significance.

Ambry Genetics
Classification: Uncertain significance. Last evaluated: 2020-03-17. Review status: criteria provided, single submitter. Criteria: Ambry Variant Classification Scheme 2023. Collection method: clinical testing. Allele origin: germline.
Comment: The p.I570T variant (also known as c.1709T>C), located in coding exon 12 of the FBXO38 gene, results from a T to C substitution at nucleotide position 1709. The isoleucine at codon 570 is replaced by threonine, an amino acid with similar properties. This amino acid position is not well conserved in available vertebrate species. In addition, this variant is predicted to be tolerated by in silico analysis. Since supporting evidence is limited at this time, the clinical significance of this variant remains unclear.